The following is an entry in ClinVar:

NM_001148.6(ANK2):c.4279C>T (p.Arg1427Ter)

Gene: ANK2 (ankyrin 2; plus strand). Cytogenetic location: 4q26.
Variant type: single nucleotide variant.
Coding change: c.4279C>T on transcript NM_001148.6 (MANE Select); coding-DNA position 4279, C replaced by T.
Protein change: p.Arg1427Ter; replaces arginine 1427 with a stop codon.
Molecular consequence: nonsense.
Genome position (GRCh38, 1-based): chr4:113,345,930, C>T. VCF-style: chr4-113345930-C-T. GRCh37 (hg19) VCF-style: chr4-114267086-C-T.
Other names: c.4252C>T, p.Arg1418Ter (NM_001127493.3); c.4291C>T, p.Arg1431Ter (NM_001354225.2); c.4180C>T, p.Arg1394Ter (NM_001354228.2, NM_001354258.2); c.4258C>T, p.Arg1420Ter (NM_001354230.2); c.4321C>T, p.Arg1441Ter (NM_001354231.2, NM_001354242.2); c.4315C>T, p.Arg1439Ter (NM_001354232.2); c.4276C>T, p.Arg1426Ter (NM_001354235.2, NM_001354246.2, NM_001354265.2); c.4177C>T, p.Arg1393Ter (NM_001354236.2); and 31 more; short protein forms R1266*, R1299*, R1327*, R1332*, R1340*, R1352*, R1356*, R1360*.
Identifiers: ClinVar variation 3338732 (VCV003338732.2).

ClinVar aggregate classification (germline): Pathogenic (1 of 4 stars; one submission).

gnomAD v4.1: 1 of 1,613,488 alleles (0.000062%); highest among the groups gnomAD compares: Non-Finnish European, 0.000085%; no homozygotes.

Submission:

GeneDx
Classification: Pathogenic. Last evaluated: 2025-07-07. Review status: criteria provided, single submitter. Criteria: GeneDx Variant Classification Process June 2021. Collection method: clinical testing. Allele origin: germline. Affected: yes.
Comment: Nonsense variant predicted to result in protein truncation or nonsense mediated decay in a gene for which loss of function is a known mechanism of disease; Identified in an individual from a neurodevelopmental disorder cohort without specific clinical information or segregation (PMID: 33004838); Reported in an individual with dystonia; inherited from an unaffected mother who was mosaic for the variant (PMID: 39937650); Not observed at significant frequency in large population cohorts (gnomAD); This variant is associated with the following publications: (PMID: 33004838, 39937650)